The following is an entry in ClinVar:

ClinVar aggregate classification (germline): Uncertain significance. Review status: criteria provided, multiple submitters, no conflicts (2 of 4 stars). 2 submissions from 2 submitters: Uncertain significance (2). Last evaluated 2026-07-07.

Conditions:
Hereditary cancer-predisposing syndrome. Also called: Neoplastic Syndromes, Hereditary; Hereditary Cancer Syndrome; Tumor predisposition; Hereditary neoplastic syndrome. Identifiers: Orphanet 140162, MedGen C0027672, MeSH D009386, MONDO:0015356.
Familial adenomatous polyposis 1 (FAP1). Also called: FAMILIAL ADENOMATOUS POLYPOSIS 1, ATTENUATED; POLYPOSIS, ADENOMATOUS INTESTINAL. Identifiers: MedGen C2713442, MONDO:0021056, OMIM 175100. Disease mechanism: loss of function.

Allele frequency attached by ClinVar (database versions not stated): gnomAD exomes below 0.00001.
gnomAD v4.1: 2 of 1,614,134 alleles (0.00012%); highest among the groups gnomAD compares: African/African-American, 0.0027%; no homozygotes.

Submissions (2):

Ambry Genetics
Classification: Uncertain significance for Hereditary cancer-predisposing syndrome. Last evaluated: 2026-07-07. Review status: criteria provided, single submitter. Criteria: Ambry Variant Classification Scheme 2023. Collection method: clinical testing. Allele origin: germline.
Comment: The p.G1019R variant (also known as c.3055G>A), located in coding exon 15 of the APC gene, results from a G to A substitution at nucleotide position 3055. The glycine at codon 1019 is replaced by arginine, an amino acid with dissimilar properties. This amino acid position is conserved. In addition, in silico predictors for this gene do not accurately predict pathogenicity. Based on the available evidence, the clinical significance of this variant remains unclear.

Labcorp Genetics (formerly Invitae), Labcorp
Classification: Uncertain significance for Familial adenomatous polyposis 1. Last evaluated: 2024-12-23. Review status: criteria provided, single submitter. Criteria: Invitae Variant Classification Sherloc (09022015). Collection method: clinical testing. Allele origin: germline.
Comment: This sequence change replaces glycine, which is neutral and non-polar, with arginine, which is basic and polar, at codon 1019 of the APC protein (p.Gly1019Arg). This variant is not present in population databases (gnomAD no frequency). This variant has not been reported in the literature in individuals affected with APC-related conditions. ClinVar contains an entry for this variant (Variation ID: 934037). Invitae Evidence Modeling of protein sequence and biophysical properties (such as structural, functional, and spatial information, amino acid conservation, physicochemical variation, residue mobility, and thermodynamic stability) indicates that this missense variant is not expected to disrupt APC protein function with a negative predictive value of 95%. In summary, the available evidence is currently insufficient to determine the role of this variant in disease. Therefore, it has been classified as a Variant of Uncertain Significance.

NM_000038.6(APC):c.3055G>A (p.Gly1019Arg)

Gene: APC (APC regulator of Wnt signaling pathway; plus strand). Cytogenetic location: 5q22.2.
Variant type: single nucleotide variant.
Coding change: c.3055G>A on transcript NM_000038.6 (MANE Select); coding-DNA position 3055, G replaced by A.
Protein change: p.Gly1019Arg; replaces glycine 1019 with arginine.
Molecular consequence: missense variant.
Genome position (GRCh38, 1-based): chr5:112,838,649, G>A. VCF-style: chr5-112838649-G-A. GRCh37 (hg19) VCF-style: chr5-112174346-G-A.
Other names: c.3055G>A, p.Gly1019Arg (NM_001127510.3, NM_001354895.2); c.3001G>A, p.Gly1001Arg (NM_001127511.3); c.3109G>A, p.Gly1037Arg (NM_001354896.2); c.3085G>A, p.Gly1029Arg (NM_001354897.2); c.2980G>A, p.Gly994Arg (NM_001354898.2); c.2971G>A, p.Gly991Arg (NM_001354899.2); c.2932G>A, p.Gly978Arg (NM_001354900.2); c.2878G>A, p.Gly960Arg (NM_001354901.2); and 5 more; short protein forms G1001R, G736R, G918R, G991R, G994R, G1029R, G960R, G859R.
Identifiers: ClinVar variation 934037 (VCV000934037.10), dbSNP rs1765326033, ClinGen allele CA16028023.